The following is an entry in ClinVar:

NM_001329943.3(KIAA0586):c.2257C>T (p.Gln753Ter)

Gene: KIAA0586 (KIAA0586; plus strand). Cytogenetic location: 14q23.1.
Variant type: single nucleotide variant.
Coding change: c.2257C>T on transcript NM_001329943.3 (MANE Select); coding-DNA position 2257, C replaced by T.
Protein change: p.Gln753Ter; replaces glutamine 753 with a stop codon.
Molecular consequence: nonsense.
Genome position (GRCh38, 1-based): chr14:58,467,737, C>T. VCF-style: chr14-58467737-C-T. GRCh37 (hg19) VCF-style: chr14-58934455-C-T.
Other names: c.2416C>T, p.Gln806Ter (NM_001244189.2); c.2029C>T, p.Gln677Ter (NM_014749.5); c.2212C>T, p.Gln738Ter (NM_001244190.2); c.2002C>T, p.Gln668Ter (NM_001244191.2, NM_001329945.2, NM_001364700.1 and 1 more transcripts); c.2125C>T, p.Gln709Ter (NM_001244192.2); c.1837C>T, p.Gln613Ter (NM_001244193.2); c.2257C>T, p.Gln753Ter (NM_001329944.2, NM_001329946.2, NM_001329947.2); short protein forms Q709*, Q806*, Q738*, Q753*, Q677*, Q613*, Q668*.
Identifiers: ClinVar variation 2942476 (VCV002942476.3), dbSNP rs2543274107, ClinGen allele CA389874918.

ClinVar aggregate classification (germline): Pathogenic (1 of 4 stars; one submission).

Conditions:
Short-rib thoracic dysplasia 14 with polydactyly (SRTD14). Identifiers: Orphanet 397715, MedGen C4225286, MONDO:0014688, OMIM 616546.
Joubert syndrome 23 (JBTS23). Identifiers: Orphanet 475, MedGen C4084822, MONDO:0014664, OMIM 616490.

gnomAD v4.1: 1 of 1,600,424 alleles (0.000062%); no homozygotes.

Submission:

Labcorp Genetics (formerly Invitae), Labcorp
Classification: Pathogenic for Joubert syndrome 23; Short-rib thoracic dysplasia 14 with polydactyly. Last evaluated: 2022-12-19. Review status: criteria provided, single submitter. Criteria: Invitae Variant Classification Sherloc (09022015). Collection method: clinical testing. Allele origin: germline.
Comment: For these reasons, this variant has been classified as Pathogenic. This variant has not been reported in the literature in individuals affected with KIAA0586-related conditions. This variant is not present in population databases (gnomAD no frequency). This sequence change creates a premature translational stop signal (p.Gln806*) in the KIAA0586 gene. It is expected to result in an absent or disrupted protein product. Loss-of-function variants in KIAA0586 are known to be pathogenic (PMID: 26096313, 26166481, 26386044).

Literature cited by the submitters: PubMed 26096313; PubMed 26166481; PubMed 26386044.